The following is an entry in ClinVar:

NM_018706.7(DHTKD1):c.2572G>A (p.Asp858Asn)

Gene: DHTKD1 (dehydrogenase E1 and transketolase domain containing 1; plus strand). Cytogenetic location: 10p14.
Variant type: single nucleotide variant.
Coding change: c.2572G>A on transcript NM_018706.7 (MANE Select); coding-DNA position 2572, G replaced by A.
Protein change: p.Asp858Asn; replaces aspartic acid 858 with asparagine.
Molecular consequence: missense variant.
Genome position (GRCh38, 1-based): chr10:12,118,918, G>A. VCF-style: chr10-12118918-G-A. GRCh37 (hg19) VCF-style: chr10-12160917-G-A.
Other names: short protein forms D858N.
Identifiers: ClinVar variation 2878468 (VCV002878468.3), dbSNP rs1464658048, ClinGen allele CA376016720.

ClinVar aggregate classification (germline): Uncertain significance (1 of 4 stars; one submission).

Conditions:
2-aminoadipic 2-oxoadipic aciduria (AAKAD). Also called: Aminoadipic aciduria; ALPHA-AMINOADIPIC AND ALPHA-KETOADIPIC ACIDURIA. Identifiers: Orphanet 79154, MedGen C1859817, MONDO:0008774, OMIM 204750.

Submission:

Labcorp Genetics (formerly Invitae), Labcorp
Classification: Uncertain significance for 2-aminoadipic 2-oxoadipic aciduria. Last evaluated: 2022-11-17. Review status: criteria provided, single submitter. Criteria: Invitae Variant Classification Sherloc (09022015). Collection method: clinical testing. Allele origin: germline.
Comment: Variants that disrupt the consensus splice site are a relatively common cause of aberrant splicing (PMID: 17576681, 9536098). In summary, the available evidence is currently insufficient to determine the role of this variant in disease. Therefore, it has been classified as a Variant of Uncertain Significance. Algorithms developed to predict the effect of missense changes on protein structure and function (SIFT, PolyPhen-2, Align-GVGD) all suggest that this variant is likely to be tolerated. This variant has not been reported in the literature in individuals affected with DHTKD1-related conditions. This variant is not present in population databases (gnomAD no frequency). This sequence change replaces aspartic acid, which is acidic and polar, with asparagine, which is neutral and polar, at codon 858 of the DHTKD1 protein (p.Asp858Asn). This variant also falls at the last nucleotide of exon 15, which is part of the consensus splice site for this exon.

Literature cited by the submitters: PubMed 17576681; PubMed 9536098.